The following is an entry in ClinVar:

ClinVar aggregate classification (germline): Conflicting classifications of pathogenicity. Review status: criteria provided, conflicting classifications (1 of 4 stars). 10 submissions from 10 submitters: Uncertain significance (4); Benign (1); Likely benign (5). Last evaluated 2026-04-28.

Conditions:
Cardiovascular phenotype. Identifiers: MedGen CN230736.
Cardiomyopathy (CMYO). Also called: Cardiomyopathies. Identifiers: Orphanet 167848, MedGen C0878544, MONDO:0004994, HP:0001638. Inheritance: Various modes of inheritance.
Arrhythmogenic right ventricular dysplasia 11. Also called: Arrhythmogenic Right Ventricular Dysplasia/Cardiomyopathy11; Arrhythmogenic right ventricular dysplasia 11 with mild palmoplantar keratoderma and woolly hair; ARRHYTHMOGENIC RIGHT VENTRICULAR DYSPLASIA, FAMILIAL, 11. Identifiers: MedGen C1864850, MONDO:0012506, OMIM 610476.

Allele frequency attached by ClinVar (database versions not stated): ESP Exome Variant Server 0.00008; gnomAD 0.00025; TOPMed 0.00025; ExAC 0.00034.
gnomAD v4.1: 515 of 1,613,872 alleles (0.032%); highest among the groups gnomAD compares: Non-Finnish European, 0.041%; no homozygotes.

Submissions (10):

Women's Health and Genetics/Laboratory Corporation of America, LabCorp
Classification: Likely benign. Last evaluated: 2026-04-28. Review status: criteria provided, single submitter. Criteria: LabCorp Variant Classification Summary - May 2015. Collection method: clinical testing. Allele origin: germline.
Comment: Variant summary: DSC2 c.1729A>G (p.Ile577Val) results in a conservative amino acid change in the encoded protein sequence. Algorithms developed to predict the effect of missense changes on protein structure and function all suggest that this variant is likely to be tolerated. The variant allele was found at a frequency of 0.00027 in 251064 control chromosomes. The observed variant frequency exceeds the estimated maximal expected allele frequency for disease-causing variants in DSC2, providing supporting evidence for a benign role. c.1729A>G has been observed in individuals affected with dilated cardiomyopathy who carried an a second likely pathogenic/pathogenic variant in an alternate gene (e.g. Long_2017, Pugh_2014). These report(s) do not provide unequivocal conclusions about association of the variant with Arrhythmogenic Right Ventricular Dysplasia/Cardiomyopathy. To our knowledge, no experimental evidence demonstrating an impact on protein function has been reported. The following publications have been ascertained in the context of this evaluation (PMID: 29367541, 24503780). ClinVar contains an entry for this variant (Variation ID: 46170). Based on the evidence outlined above, the variant was classified as likely benign.

Labcorp Genetics (formerly Invitae), Labcorp
Classification: Likely benign for Arrhythmogenic right ventricular dysplasia 11. Last evaluated: 2025-12-19. Review status: criteria provided, single submitter. Criteria: Invitae Variant Classification Sherloc (09022015). Collection method: clinical testing. Allele origin: germline.

Molecular Diagnostic Laboratory for Inherited Cardiovascular Disease, Montreal Heart Institute
Classification: Likely benign. Last evaluated: 2025-04-08. Review status: criteria provided, single submitter. Criteria: ACMG Guidelines, 2015. Collection method: clinical testing. Allele origin: germline. Affected: no.

CeGaT Center for Human Genetics Tuebingen
Classification: Uncertain significance. Last evaluated: 2022-08-01. Review status: criteria provided, single submitter. Criteria: CeGaT Center For Human Genetics Tuebingen Variant Classification Criteria Version 2. Collection method: clinical testing. Allele origin: germline. Affected: yes. Observed: 1 variant allele.
Comment: DSC2: PM2:Supporting, BP4

Ambry Genetics
Classification: Benign for Cardiovascular phenotype. Last evaluated: 2022-03-08. Review status: criteria provided, single submitter. Criteria: Ambry Variant Classification Scheme 2023. Collection method: clinical testing. Allele origin: germline.

GeneDx
Classification: Likely benign. Last evaluated: 2020-04-20. Review status: criteria provided, single submitter. Criteria: GeneDx Variant Classification Process June 2021. Collection method: clinical testing. Allele origin: germline. Affected: yes.
Comment: Reported in an individual with a personal and family history of DCM; this individual also harbored a frameshift variant in the TTN gene that was reported as likely pathogenic by the authors (Pugh et al., 2014); Reported as a non-segregating variant in a case of sporadic, pediatric DCM (Long et al., 2017); Reported in ClinVar as a variant of uncertain significance and as a likely benign variant; one clinical laboratory reports observing this variants in two adults with DCM, both of whom harbored another likely pathogenic variant (ClinVar Variant ID#46170; SCV000063095.5; Landrum et al., 2016); In silico analysis supports that this missense variant does not alter protein structure/function; This variant is associated with the following publications: (PMID: 23861362, 24503780, 29367541, 31737537)

Color Diagnostics, LLC DBA Color Health
Classification: Likely benign for Cardiomyopathy. Last evaluated: 2020-02-13. Review status: criteria provided, single submitter. Criteria: ACMG Guidelines, 2015. Collection method: clinical testing. Allele origin: germline.

CHEO Genetics Diagnostic Laboratory, Children's Hospital of Eastern Ontario
Classification: Uncertain significance for Cardiomyopathy. Last evaluated: 2017-02-08. Review status: criteria provided, single submitter. Criteria: ACMG Guidelines, 2015. Collection method: clinical testing. Allele origin: germline. Study: Canadian Open Genetics Repository.

Laboratory for Molecular Medicine, Mass General Brigham Personalized Medicine
Classification: Uncertain significance. Last evaluated: 2014-07-03. Review status: criteria provided, single submitter. Criteria: LMM Criteria. Collection method: clinical testing. Allele origin: germline. Observed: 4 variant alleles.
Comment: The Ile577Val variant in DSC2 has been identified by our laboratory in 2 Caucasi an adults with DCM (including this family), both of whom carried another likely pathogenic variant. This variant has also been identified in 1/8600 European Ame rican chromosomes by the NHLBI Exome Sequencing Project (n.edu/EVS/; dbSNP rs201845641) and was reported in 1/186 controls in an unpublis hed study (ARVD/C Database). Computational predict ion tools and conservation analysis do not provide strong support for or against an impact to the protein. In summary, additional information is needed to fully assess the clinical significance of the Ile577Val variant.

Biesecker Lab/Clinical Genomics Section, National Institutes of Health
Classification: Uncertain significance. Last evaluated: 2013-06-24. Review status: criteria provided, single submitter. Criteria: Ng et al. (Circ Cardiovasc Genet. 2013). Collection method: research. Allele origin: unknown. Observed: 1 variant allele. Study: ClinSeq.
Comment: The study set was not selected for affection status in relation to any cancer. Pathogenicity categories were based on literature curation. See Pubmed ID:23861362 for details.

Medical sequencing

Literature cited by the submitters: PubMed 24503780 (cited by Women's Health and Genetics/Laboratory Corporation of America, LabCorp and Ambry Genetics); PubMed 29367541 (cited by Women's Health and Genetics/Laboratory Corporation of America, LabCorp and Ambry Genetics); PubMed 23861362 (cited by Ambry Genetics).

NM_024422.6(DSC2):c.1729A>G (p.Ile577Val)

Gene: DSC2 (desmocollin 2; minus strand). Cytogenetic location: 18q12.1.
Variant type: single nucleotide variant.
Coding change: c.1729A>G on transcript NM_024422.6 (MANE Select); coding-DNA position 1729, A replaced by G.
Protein change: p.Ile577Val; replaces isoleucine 577 with valine.
Molecular consequence: missense variant.
Genome position (GRCh38, 1-based): chr18:31,074,842, T>C on the plus strand (A>G on the coding strand, the complement: DSC2 is on the minus strand). VCF-style: chr18-31074842-T-C. GRCh37 (hg19) VCF-style: chr18-28654808-T-C.
Other names: p.I577V:ATA>GTA; c.1729A>G, p.Ile577Val (NM_004949.5); short protein forms I577V.
Identifiers: ClinVar variation 46170 (VCV000046170.70), dbSNP rs201845641, ClinGen allele CA022548.